The following is an entry in ClinVar:

NM_001377142.1(PLCB4):c.1015G>A (p.Gly339Arg)

Gene: PLCB4 (phospholipase C beta 4; plus strand). Cytogenetic location: 20p12.2.
Variant type: single nucleotide variant.
Coding change: c.1015G>A on transcript NM_001377142.1 (MANE Select); coding-DNA position 1015, G replaced by A.
Protein change: p.Gly339Arg; replaces glycine 339 with arginine.
Molecular consequence: missense variant.
Genome position (GRCh38, 1-based): chr20:9,384,362, G>A. VCF-style: chr20-9384362-G-A. GRCh37 (hg19) VCF-style: chr20-9365009-G-A.
Other names: c.1015G>A, p.Gly339Arg (NM_000933.4, NM_001172646.2, NM_001377134.2 and 4 more transcripts); c.1015G>A (NM_000933.3); short protein forms G339R.
Identifiers: ClinVar variation 1706548 (VCV001706548.4), dbSNP rs2515491013, ClinGen allele CA408216616.

ClinVar aggregate classification (germline): Conflicting classifications of pathogenicity. Review status: criteria provided, conflicting classifications (1 of 4 stars). 2 submissions from 2 submitters: Likely pathogenic (1); Uncertain significance (1). Last evaluated 2025-07-17.

Conditions:
Auriculocondylar syndrome 2 (ARCND2A). Also called: AURICULOCONDYLAR SYNDROME 2A. Identifiers: Orphanet 137888, MedGen C3553404, MONDO:0013845, OMIM 614669.

Allele frequency attached by ClinVar (database versions not stated): gnomAD exomes below 0.00001.
gnomAD v4.1: 5 of 1,614,134 alleles (0.00031%); highest among the groups gnomAD compares: Non-Finnish European, 0.00034%; no homozygotes.

Submissions (2):

GeneDx
Classification: Uncertain significance. Last evaluated: 2025-07-17. Review status: criteria provided, single submitter. Criteria: GeneDx Variant Classification Process June 2021. Collection method: clinical testing. Allele origin: germline.
Comment: Not observed at significant frequency in large population cohorts (gnomAD); In silico analysis supports that this missense variant has a deleterious effect on protein structure/function; This variant is associated with the following publications: (PMID: 35170830)

Institute for Medical Genetics and Human Genetics, Charité - Universitätsmedizin Berlin
Classification: Likely pathogenic for Auriculocondylar syndrome 2. Last evaluated: 2022-09-22. Review status: criteria provided, single submitter. Criteria: ACMG Guidelines, 2015. Collection method: clinical testing. Allele origin: germline. Inheritance: Autosomal dominant inheritance. Affected: yes. Observed: 1 heterozygote.